The following is an entry in ClinVar:

ClinVar aggregate classification (germline): Uncertain significance. Review status: criteria provided, multiple submitters, no conflicts (2 of 4 stars). 2 submissions from 2 submitters: Uncertain significance (2). Last evaluated 2025-06-04.

Allele frequency attached by ClinVar (database versions not stated): ExAC 0.00003; gnomAD 0.00007 and 0.00009; ESP Exome Variant Server 0.00008; TOPMed 0.00011.
gnomAD v4.1: 36 of 1,613,912 alleles (0.0022%); highest among the groups gnomAD compares: African/African-American, 0.021%; no homozygotes.

Submissions (2):

Labcorp Genetics (formerly Invitae), Labcorp
Classification: Uncertain significance. Last evaluated: 2025-06-04. Review status: criteria provided, single submitter. Criteria: Invitae Variant Classification Sherloc (09022015). Collection method: clinical testing. Allele origin: germline.
Comment: This sequence change replaces arginine, which is basic and polar, with glutamine, which is neutral and polar, at codon 571 of the ERMARD protein (p.Arg571Gln). This variant is present in population databases (rs371767163, gnomAD 0.02%). This variant has not been reported in the literature in individuals affected with ERMARD-related conditions. ClinVar contains an entry for this variant (Variation ID: 1422234). An algorithm developed to predict the effect of missense changes on protein structure and function (PolyPhen-2) suggests that this variant is likely to be disruptive. In summary, the available evidence is currently insufficient to determine the role of this variant in disease. Therefore, it has been classified as a Variant of Uncertain Significance.

Ambry Genetics
Classification: Uncertain significance. Last evaluated: 2023-12-21. Review status: criteria provided, single submitter. Criteria: Ambry Variant Classification Scheme 2023. Collection method: clinical testing. Allele origin: germline.

NM_018341.3(ERMARD):c.1712G>A (p.Arg571Gln)

Gene: ERMARD (ER membrane associated RNA degradation; plus strand). Cytogenetic location: 6q27.
Variant type: single nucleotide variant.
Coding change: c.1712G>A on transcript NM_018341.3 (MANE Select); coding-DNA position 1712, G replaced by A.
Protein change: p.Arg571Gln; replaces arginine 571 with glutamine.
Molecular consequence: missense variant. On other transcripts: intron variant (2).
Genome position (GRCh38, 1-based): chr6:169,776,646, G>A. VCF-style: chr6-169776646-G-A. GRCh37 (hg19) VCF-style: chr6-170176742-G-A.
Other names: c.1712G>A (NM_018341.1); c.1334G>A, p.Arg445Gln (NM_001278532.2); c.1598+235G>A (NM_001278531.2); c.1520+581G>A (NM_001278533.2); short protein forms R445Q, R571Q.
Identifiers: ClinVar variation 1422234 (VCV001422234.7), dbSNP rs371767163, ClinGen allele CA4106390.
Genomic context (GRCh38, chr6:169,776,646, plus strand): 5'-CCGTTGCCTCAGAGCTGAGACACAGGCAGTGGGTGGAAAGGACGCTGCGGTCTCGCCAGC[G>A]GCAGAACTACCTGCGTATGTGGAGTAGGTGCGCGCTCACTTTCCTGTTTTGGAGGGGCAC-3'
Protein context (NP_060811.1, residues 561-581): WVERTLRSRQ[Arg571Gln]QNYLRMWSSI